The following is an entry in ClinVar:

NM_000038.6(APC):c.3670_3671dup (p.Asn1224fs)

Gene: APC (APC regulator of Wnt signaling pathway; plus strand). Cytogenetic location: 5q22.2.
Variant type: Duplication.
Coding change: c.3670_3671dup on transcript NM_000038.6 (MANE Select); coding-DNA positions 3670 to 3671, 2 bases duplicated (AA; older notation c.3670_3671dupAA).
Protein change: p.Asn1224fs; shifts the reading frame from asparagine 1224.
Molecular consequence: frameshift variant.
Genome position (GRCh38, 1-based): chr5:112,839,264-112,839,265, AA duplicated. VCF-style (leftmost placement, unchanged base first): chr5-112839263-T-TAA. GRCh37 (hg19) VCF-style: chr5-112174960-T-TAA.
Other names: c.3670_3671dup, p.Asn1224fs (NM_001127510.3, NM_001354895.2); c.3616_3617dup, p.Asn1206fs (NM_001127511.3); c.3724_3725dup, p.Asn1242fs (NM_001354896.2); c.3700_3701dup, p.Asn1234fs (NM_001354897.2); c.3595_3596dup, p.Asn1199fs (NM_001354898.2); c.3586_3587dup, p.Asn1196fs (NM_001354899.2); c.3547_3548dup, p.Asn1183fs (NM_001354900.2); c.3493_3494dup, p.Asn1165fs (NM_001354901.2); and 6 more; short protein forms N1183fs, N1196fs, N1206fs, N1224fs, N1165fs, N1242fs, N941fs, N1064fs.
Identifiers: ClinVar variation 581841 (VCV000581841.18), dbSNP rs1561586671, ClinGen allele CA891842609.

ClinVar aggregate classification (germline): Pathogenic/Likely pathogenic. Review status: criteria provided, multiple submitters, no conflicts (2 of 4 stars). 4 submissions from 4 submitters: Pathogenic (3); Likely pathogenic (1). Last evaluated 2023-05-09.

Conditions:
Familial adenomatous polyposis 1 (FAP1). Also called: FAMILIAL ADENOMATOUS POLYPOSIS 1, ATTENUATED; POLYPOSIS, ADENOMATOUS INTESTINAL. Identifiers: MedGen C2713442, MONDO:0021056, OMIM 175100. Disease mechanism: loss of function.
Hereditary cancer-predisposing syndrome. Also called: Neoplastic Syndromes, Hereditary; Hereditary Cancer Syndrome; Tumor predisposition; Hereditary neoplastic syndrome. Identifiers: Orphanet 140162, MedGen C0027672, MeSH D009386, MONDO:0015356.

Submissions (4):

Myriad Genetics, Inc.
Classification: Pathogenic for Familial adenomatous polyposis 1. Last evaluated: 2023-05-09. Review status: criteria provided, single submitter. Criteria: Myriad Autosomal Dominant, Autosomal Recessive and X-Linked Classification Criteria (2023). Collection method: clinical testing. Allele origin: unknown.
Comment: This variant is considered pathogenic. This variant creates a frameshift predicted to result in premature protein truncation.

Ambry Genetics
Classification: Pathogenic for Hereditary cancer-predisposing syndrome. Last evaluated: 2022-09-09. Review status: criteria provided, single submitter. Criteria: Ambry Variant Classification Scheme 2023. Collection method: clinical testing. Allele origin: germline.
Comment: The c.3670_3671dupAA pathogenic mutation, located in coding exon 15 of the APC gene, results from a duplication of AA at nucleotide position 3670, causing a translational frameshift with a predicted alternate stop codon (p.N1224Kfs*42). This alteration occurs at the 3' terminus of the APC gene, and is not expected to trigger nonsense mediated mRNA decay, however, premature stop codons are typically deleterious in nature and structural analysis suggests this deletion removes a known motif (Thr2841-Ser2842-Val2843) needed for protein binding involved in regulation of protein function (Slep KC et al, PLoS ONE 2012; 7(11):e50097; Zhang Z et al, PLoS ONE 2011; 6(8):e23507). This alteration has been observed in at least one individual with a personal and/or family history that is consistent with APC-related disease (Ambry internal data). Based on the supporting evidence, this alteration is interpreted as a disease-causing mutation.

Mayo Clinic Laboratories, Mayo Clinic
Classification: Likely pathogenic. Last evaluated: 2021-06-18. Review status: criteria provided, single submitter. Criteria: ACMG Guidelines, 2015. Collection method: clinical testing. Allele origin: germline.
Comment: PM2, PVS1_strong

Labcorp Genetics (formerly Invitae), Labcorp
Classification: Pathogenic for Familial adenomatous polyposis 1. Last evaluated: 2018-07-16. Review status: criteria provided, single submitter. Criteria: Invitae Variant Classification Sherloc (09022015). Collection method: clinical testing. Allele origin: germline.
Comment: This variant has not been reported in the literature in individuals with APC-related disease. This variant is not present in population databases (ExAC no frequency). This sequence change results in a premature translational stop signal in the APC gene (p.Asn1224Lysfs*42). While this is not anticipated to result in nonsense mediated decay, it is expected to disrupt the last 1620 amino acids of the APC protein. A different truncation downstream of this variant (p.Glu1309Aspfs*4) has been determined to be pathogenic (PMID: 20223039, 1316610, 23159591, 24664542). This suggests that deletion of this region of the APC protein is causative of disease. For these reasons, this variant has been classified as Pathogenic.

Literature cited by the submitters: PubMed 20223039 (cited by Labcorp Genetics (formerly Invitae), Labcorp); PubMed 1316610 (cited by Labcorp Genetics (formerly Invitae), Labcorp); PubMed 23159591 (cited by Labcorp Genetics (formerly Invitae), Labcorp); PubMed 24664542 (cited by Labcorp Genetics (formerly Invitae), Labcorp).